The following is an entry in ClinVar:

ClinVar aggregate classification (germline): Uncertain significance (1 of 4 stars; one submission).

Conditions:
Duchenne muscular dystrophy (DMD). Also called: Duchenne Muscular Dystrophy (DMD); MUSCULAR DYSTROPHY, PSEUDOHYPERTROPHIC PROGRESSIVE, DUCHENNE TYPE. Identifiers: Orphanet 98896, MedGen C0013264, MONDO:0010679, OMIM 310200.

Submission:

Labcorp Genetics (formerly Invitae), Labcorp
Classification: Uncertain significance for Duchenne muscular dystrophy. Last evaluated: 2022-06-04. Review status: criteria provided, single submitter. Criteria: Invitae Variant Classification Sherloc (09022015). Collection method: clinical testing. Allele origin: germline.
Comment: This sequence change replaces valine, which is neutral and non-polar, with leucine, which is neutral and non-polar, at codon 372 of the DMD protein (p.Val372Leu). This variant is not present in population databases (gnomAD no frequency). This variant has not been reported in the literature in individuals affected with DMD-related conditions. ClinVar contains an entry for this variant (Variation ID: 847101). Algorithms developed to predict the effect of missense changes on protein structure and function are either unavailable or do not agree on the potential impact of this missense change (SIFT: "Tolerated"; PolyPhen-2: "Possibly Damaging"; Align-GVGD: "Class C0"). In summary, the available evidence is currently insufficient to determine the role of this variant in disease. Therefore, it has been classified as a Variant of Uncertain Significance.

NM_004006.3(DMD):c.1114G>T (p.Val372Leu)

Gene: DMD (dystrophin; minus strand). Cytogenetic location: Xp21.1.
Variant type: single nucleotide variant.
Coding change: c.1114G>T on transcript NM_004006.3 (MANE Select); coding-DNA position 1114, G replaced by T.
Protein change: p.Val372Leu; replaces valine 372 with leucine.
Molecular consequence: missense variant.
Genome position (GRCh38, 1-based): chrX:32,644,999, C>A on the plus strand (G>T on the coding strand, the complement: DMD is on the minus strand). VCF-style: chrX-32644999-C-A. GRCh37 (hg19) VCF-style: chrX-32663116-C-A.
Other names: c.1090G>T, p.Val364Leu (NM_000109.4); c.1102G>T, p.Val368Leu (NM_004009.3); c.745G>T, p.Val249Leu (NM_004010.3); short protein forms V364L, V372L, V249L, V368L.
Identifiers: ClinVar variation 847101 (VCV000847101.10), dbSNP rs747254030, ClinGen allele CA412661794.
Genomic context (GRCh38, chrX:32,644,999, plus strand): 5'-TTTGTAAATTAACGTTTTAGTTTACCTCATGAGTATGAAACTGGTCTTTCACCACTTCCA[C>A]ATCATTAGAAATCTCTCCTTGTGCTTGCAATGTGTCCTCAGCAGAAAGAAGCCACGATAA-3'
Protein context (NP_003997.2, residues 362-382): LQAQGEISND[Val372Leu]EVVKDQFHTH